The following is an entry in ClinVar:

ClinVar aggregate classification (germline): Conflicting classifications of pathogenicity. Review status: criteria provided, conflicting classifications (1 of 4 stars). 9 submissions from 9 submitters: Uncertain significance (3); Benign (1); Likely benign (4). 1 of the submissions does not count toward it. Last evaluated 2026-09-14.

Conditions:
NTHL1-deficiency tumor predisposition syndrome. Identifiers: MedGen CN315924, MONDO:0100502.
NTHL1-related disorder. Also called: NTHL1-related condition; NTHL1-related conditions.
Familial adenomatous polyposis 3. Also called: NTHL1-associated polyposis; NTHL1-related attenuated familial adenomatous polyposis; NTHL1-Related Adenomatous Polyposis and Colorectal Cancer; NTHL1 Tumor Syndrome. Identifiers: Orphanet 220460, Orphanet 454840, MedGen C4225157, MONDO:0014630, OMIM 616415.
Hereditary cancer-predisposing syndrome. Also called: Tumor predisposition; Hereditary Cancer Syndrome; Neoplastic Syndromes, Hereditary; Hereditary neoplastic syndrome. Identifiers: Orphanet 140162, MedGen C0027672, MeSH D009386, MONDO:0015356.

Allele frequency attached by ClinVar (database versions not stated): ExAC 0.00028; TOPMed 0.00089; ESP Exome Variant Server 0.00131; 1000 Genomes Project 0.00160; 1000 Genomes Project 30x 0.00203.
gnomAD v4.1: 237 of 1,612,556 alleles (0.015%); highest among the groups gnomAD compares: African/African-American, 0.29%; no homozygotes.

Submissions (9):

GeneDx
Classification: Uncertain significance. Last evaluated: 2026-09-14. Review status: criteria provided, single submitter. Criteria: GeneDx Variant Classification Process June 2021. Collection method: clinical testing. Allele origin: germline.
Comment: In silico analysis indicates that this variant does not alter splicing; Has not been previously published as pathogenic or benign to our knowledge

Labcorp Genetics (formerly Invitae), Labcorp
Classification: Likely benign. Last evaluated: 2026-02-03. Review status: criteria provided, single submitter. Criteria: Invitae Variant Classification Sherloc (09022015). Collection method: clinical testing. Allele origin: germline.

Quest Diagnostics Nichols Institute San Juan Capistrano
Classification: Benign. Last evaluated: 2025-08-08. Review status: criteria provided, single submitter. Criteria: Quest Diagnostics criteria. Collection method: clinical testing. Allele origin: unknown.

Center for Genomic Medicine, Rigshospitalet, Copenhagen University Hospital
Classification: Likely benign. Last evaluated: 2025-03-04. Review status: criteria provided, single submitter. Criteria: ACMG Guidelines, 2015. Collection method: clinical testing. Allele origin: germline.

Department of Pathology and Laboratory Medicine, Sinai Health System
Classification: Likely benign for NTHL1-deficiency tumor predisposition syndrome. Last evaluated: 2024-12-09. Review status: criteria provided, single submitter. Criteria: ACMG Guidelines, 2015. Collection method: clinical testing. Allele origin: germline.

ARUP Laboratories, Molecular Genetics and Genomics, ARUP Laboratories
Classification: Uncertain significance for Familial adenomatous polyposis 3. Last evaluated: 2024-02-27. Review status: criteria provided, single submitter. Criteria: ARUP Molecular Germline Variant Investigation Process 2024. Collection method: clinical testing. Allele origin: germline.
Comment: The NTHL1 c.792-3C>T variant (rs3087467), to our knowledge, is not reported in the medical literature but is reported in ClinVar (Variation ID: 722626). This variant is found in the African population with an allele frequency of 0.33% (82/24,740 alleles) in the Genome Aggregation Database (v2.1.1). This is an intronic variant in a moderately conserved nucleotide, but computational analyses (Alamut v.2.11) predict that this variant does not alter splicing. However, given the lack of clinical and functional data, the significance of this variant is uncertain at this time.

Ambry Genetics
Classification: Likely benign for Hereditary cancer-predisposing syndrome. Last evaluated: 2022-05-26. Review status: criteria provided, single submitter. Criteria: Ambry Variant Classification Scheme 2023. Collection method: clinical testing. Allele origin: germline.

Sema4
Classification: Uncertain significance for Hereditary cancer-predisposing syndrome. Last evaluated: 2021-12-31. Review status: criteria provided, single submitter. Criteria: Sema4 Curation Guidelines. Collection method: curation. Allele origin: germline.
Comment: The NTHL1 c.816-3C>T variant has not been reported in the literature to our knowledge. It was observed in 82/24740 chromosomes of the African subpopulation, with no homozygotes, in the large and broad cohorts of the Genome Aggregation Database (PMID: 32461654) and has been reported in ClinVar (Variation ID 722626). In silico tools predict the variant does not significantly alter splicing, though these predictions have not been confirmed by functional studies. The evidence is insufficient to meet ACMG/AMP criteria for classifying the variant as benign or pathogenic. Thus, the clinical significance of this variant is currently uncertain.

PreventionGenetics, part of Exact Sciences
Classification: Likely benign for NTHL1-related condition. Last evaluated: 2019-07-19. Review status: no assertion criteria provided. Collection method: clinical testing. Allele origin: germline. Not counted in ClinVar's aggregate classification.
Comment: This variant is classified as likely benign based on ACMG/AMP sequence variant interpretation guidelines (Richards et al. 2015 PMID: 25741868, with internal and published modifications).

NM_002528.7(NTHL1):c.792-3C>T

Gene: NTHL1 (nth like DNA glycosylase 1; minus strand). Cytogenetic location: 16p13.3.
Variant type: single nucleotide variant.
Coding change: c.792-3C>T on transcript NM_002528.7 (MANE Select); 3 bases into the intron before coding-DNA position 792, C replaced by T.
Molecular consequence: intron variant.
Genome position (GRCh38, 1-based): chr16:2,040,050, G>A on the plus strand (C>T on the coding strand, the complement: NTHL1 is on the minus strand). VCF-style: chr16-2040050-G-A. GRCh37 (hg19) VCF-style: chr16-2090051-G-A.
Other names: c.462-3C>T (NM_001318194.2); c.621-3C>T (NM_001318193.2).
Identifiers: ClinVar variation 722626 (VCV000722626.33), dbSNP rs3087467, ClinGen allele CA7828094.
Genomic context (GRCh38, chr16:2,040,050, plus strand): 5'-CAGACAGGTCTGCTGGCCGAAGCCCACCAAGAGTCCATTGATCTCGTGCCACAGCTCCCT[G>A]TGGGGGTGGGGGCTGGGTCAGTGCTGACAGAGGGCGGGCGGGGTGAGCTCTTCTCCCTAG-3'